The following is an entry in ClinVar:

ClinVar aggregate classification (germline): Likely benign (0 of 4 stars; one submission).

Conditions:
RAI1-related disorder. Also called: RAI1-related condition.

Submission:

PreventionGenetics, part of Exact Sciences
Classification: Likely benign for RAI1-related condition. Last evaluated: 2020-12-16. Review status: no assertion criteria provided. Collection method: clinical testing. Allele origin: germline.
Comment: This variant is classified as likely benign based on ACMG/AMP sequence variant interpretation guidelines (Richards et al. 2015 PMID: 25741868, with internal and published modifications).

NM_030665.4(RAI1):c.-148-24G>C

Gene: RAI1 (retinoic acid induced 1; plus strand). Cytogenetic location: 17p11.2.
Variant type: single nucleotide variant.
Coding change: c.-148-24G>C on transcript NM_030665.4 (MANE Select); 24 bases into the intron before 148 bases upstream of the start codon, G replaced by C.
Molecular consequence: intron variant.
Genome position (GRCh38, 1-based): chr17:17,724,004, G>C. VCF-style: chr17-17724004-G-C. GRCh37 (hg19) VCF-style: chr17-17627318-G-C.
Identifiers: ClinVar variation 3358284 (VCV003358284.1).
Genomic context (GRCh38, chr17:17,724,004, plus strand): 5'-AGGGAAAGGAGCGAGCCTGGGGCCGTTGCAAGCGGCTGGCGAGAGAAAGGATTCGTGCGA[G>C]CGCTCACATTTGTTTCTCCCAAGGATCTCATCTGGCCACCGCGTTCTGGAAGAGGCGAGA-3'